The following is an entry in ClinVar:

ClinVar aggregate classification (germline): Uncertain significance (1 of 4 stars; one submission).

Conditions:
Familial adenomatous polyposis 1 (FAP1). Also called: FAMILIAL ADENOMATOUS POLYPOSIS 1, ATTENUATED; POLYPOSIS, ADENOMATOUS INTESTINAL. Identifiers: MedGen C2713442, MONDO:0021056, OMIM 175100. Disease mechanism: loss of function.

Submission:

Labcorp Genetics (formerly Invitae), Labcorp
Classification: Uncertain significance for Familial adenomatous polyposis 1. Last evaluated: 2024-11-27. Review status: criteria provided, single submitter. Criteria: Invitae Variant Classification Sherloc (09022015). Collection method: clinical testing. Allele origin: germline.
Comment: This variant occurs in a non-coding region of the APC gene. It does not change the encoded amino acid sequence of the APC protein. This variant is not present in population databases (gnomAD no frequency). This variant has not been reported in the literature in individuals affected with APC-related conditions. Experimental studies and prediction algorithms are not available or were not evaluated, and the functional significance of this variant is currently unknown. In summary, the available evidence is currently insufficient to determine the role of this variant in disease. Therefore, it has been classified as a Variant of Uncertain Significance.

NM_001127511.3(APC):c.-60G>C

Gene: APC (APC regulator of Wnt signaling pathway; plus strand). Cytogenetic location: 5q22.2.
Variant type: single nucleotide variant.
Coding change: c.-60G>C on transcript NM_001127511.3; 60 bases upstream of the start codon, G replaced by C.
Molecular consequence: 5 prime UTR variant. On other transcripts: non-coding transcript variant (1), intron variant (5).
Genome position (GRCh38, 1-based): chr5:112,707,658, G>C. VCF-style: chr5-112707658-G-C. GRCh37 (hg19) VCF-style: chr5-112043355-G-C.
Other names: c.-243G>C (NM_001354895.2, NM_001407447.1, NM_001407452.1 and 3 more transcripts); c.-60G>C (NM_001354897.2, NM_001354902.2, NM_001407446.1); c.-1278G>C (NM_001407470.1, NM_001407472.1); c.-19+9G>C (NM_001407448.1, NM_001407450.1, NM_001407457.1 and 1 more transcripts); c.-43+9G>C (NM_001407453.1).
Identifiers: ClinVar variation 1051850 (VCV001051850.8), dbSNP rs1580996554, ClinGen allele CA2499217400.